The following is an entry in ClinVar:

NM_213599.3(ANO5):c.2000T>C (p.Leu667Pro)

Gene: ANO5 (anoctamin 5; plus strand). Cytogenetic location: 11p14.3.
Variant type: single nucleotide variant.
Coding change: c.2000T>C on transcript NM_213599.3 (MANE Select); coding-DNA position 2000, T replaced by C.
Protein change: p.Leu667Pro; replaces leucine 667 with proline.
Molecular consequence: missense variant.
Genome position (GRCh38, 1-based): chr11:22,270,413, T>C. VCF-style: chr11-22270413-T-C. GRCh37 (hg19) VCF-style: chr11-22291959-T-C.
Other names: c.1997T>C, p.Leu666Pro (NM_001142649.2); c.1958T>C, p.Leu653Pro (NM_001410963.1); c.1955T>C, p.Leu652Pro (NM_001410964.1); short protein forms L652P, L653P, L666P, L667P.
Identifiers: ClinVar variation 3748437 (VCV003748437.2).

ClinVar aggregate classification (germline): Uncertain significance (1 of 4 stars; one submission).

Conditions:
Gnathodiaphyseal dysplasia (GDD). Also called: GNATHODIAPHYSEAL SCLEROSIS; OSTEOGENESIS IMPERFECTA WITH UNUSUAL SKELETAL LESIONS. Identifiers: Orphanet 53697, MedGen C1833736, MONDO:0008151, OMIM 166260.
Autosomal recessive limb-girdle muscular dystrophy type 2L (LGMDR12). Also called: Limb-girdle muscular dystrophy, type 2L; MUSCULAR DYSTROPHY, LIMB-GIRDLE, AUTOSOMAL RECESSIVE 12; Limb-Girdle Muscular Dystrophy R12 Anoctamin-5-Related (LGMD-R12). Identifiers: Orphanet 206549, MedGen C1969785, MONDO:0012652, OMIM 611307.

gnomAD v4.1: 2 of 1,614,176 alleles (0.00012%); highest among the groups gnomAD compares: Non-Finnish European, 0.00017%; no homozygotes.

Submission:

Labcorp Genetics (formerly Invitae), Labcorp
Classification: Uncertain significance for Autosomal recessive limb-girdle muscular dystrophy type 2L; Gnathodiaphyseal dysplasia. Last evaluated: 2024-04-22. Review status: criteria provided, single submitter. Criteria: Invitae Variant Classification Sherloc (09022015). Collection method: clinical testing. Allele origin: germline.
Comment: This sequence change replaces leucine, which is neutral and non-polar, with proline, which is neutral and non-polar, at codon 667 of the ANO5 protein (p.Leu667Pro). This variant is present in population databases (no rsID available, gnomAD 0.0009%). This variant has not been reported in the literature in individuals affected with ANO5-related conditions. Advanced modeling of protein sequence and biophysical properties (such as structural, functional, and spatial information, amino acid conservation, physicochemical variation, residue mobility, and thermodynamic stability) has been performed at Invitae for this missense variant, however the output from this modeling did not meet the statistical confidence thresholds required to predict the impact of this variant on ANO5 protein function. In summary, the available evidence is currently insufficient to determine the role of this variant in disease. Therefore, it has been classified as a Variant of Uncertain Significance.